The following is an entry in ClinVar:

ClinVar aggregate classification (germline): Likely pathogenic (1 of 4 stars; one submission).

Conditions:
Usher syndrome type 2A. Also called: RETINAL DISEASE IN USHER SYNDROME TYPE IIA, MODIFIER OF; USHER SYNDROME, TYPE IIA. Identifiers: Orphanet 231178, Orphanet 886, MedGen C1848634, MONDO:0010169, OMIM 276901.

Submission:

Natera, Inc.
Classification: Likely pathogenic for Usher syndrome type 2A. Last evaluated: 2026-01-14. Review status: criteria provided, single submitter. Criteria: Natera Variant Classification Schema (03/2026). Collection method: clinical testing. Allele origin: germline.
Comment: The c.2744dup variant in USH2A is a frameshift variant predicted to shift the reading frame beginning at codon 916 and leads to a stop codon 10 codons downstream. This variant is expected to result in nonsense mediated decay, truncation, or a dysfunctional protein product. This variant is rare in the general population with a frequency below the threshold expected for the associated phenotype(s). Given the available evidence, this variant is classified as Likely Pathogenic.

NM_206933.4(USH2A):c.2744dup (p.Ile916fs)

Genes: USH2A (usherin; minus strand), LOC122152296 (Sharpr-MPRA regulatory region 8762; plus strand). Cytogenetic location: 1q41.
Variant type: Duplication.
Coding change: c.2744dup on transcript NM_206933.4 (MANE Select); coding-DNA position 2744, one base duplicated (C; older notation c.2744dupC).
Protein change: p.Ile916fs; shifts the reading frame from isoleucine 916.
Molecular consequence: frameshift variant.
Genome position (GRCh38, 1-based): chr1:216,246,650, G duplicated on the plus strand (C on the coding strand, the reverse complement: USH2A is on the minus strand); the first of 3 consecutive G bases (chr1:216,246,650-216,246,652); duplicating any one gives the same sequence. VCF-style (leftmost placement, unchanged base first): chr1-216246649-T-TG. GRCh37 (hg19) VCF-style: chr1-216419991-T-TG.
Other names: c.2744dup, p.Ile916fs (NM_007123.6); short protein forms I916fs.
Identifiers: ClinVar variation 4817110 (VCV004817110.1).